The following is an entry in ClinVar:

Conditions:
Breast-ovarian cancer, familial, susceptibility to, 1 (BROVCA1). Also called: BRCA1 Hereditary Breast and Ovarian Cancer; OVARIAN CANCER, SUSCEPTIBILITY TO. Identifiers: Orphanet 145, MedGen C2676676, MONDO:0011450, OMIM 604370. Disease mechanism: loss of function.

Submission:

Brotman Baty Institute, University of Washington
No classification provided (evidence only). Condition: Breast-ovarian cancer, familial 1. Review status: no classification provided. Collection method: in vitro. Allele origin: not applicable. Functional consequence: functionally_normal.
ClinVar note: "not provided" was previously submitted as the classification for the variant. However, the classification appeared to be based only on an observation of functional data so it was converted to no classification on 2025-07-30.

NM_007294.4(BRCA1):c.4948A>T (p.Met1650Leu)

Gene: BRCA1 (BRCA1 DNA repair associated; minus strand). Cytogenetic location: 17q21.31.
Variant type: single nucleotide variant.
Coding change: c.4948A>T on transcript NM_007294.4 (MANE Select); coding-DNA position 4948, A replaced by T.
Protein change: p.Met1650Leu; replaces methionine 1650 with leucine.
Molecular consequence: missense variant. On other transcripts: non-coding transcript variant (1).
Genome position (GRCh38, 1-based): chr17:43,070,966, T>A on the plus strand (A>T on the coding strand, the complement: BRCA1 is on the minus strand). VCF-style: chr17-43070966-T-A. GRCh37 (hg19) VCF-style: chr17-41222983-T-A.
Other names: c.4735A>T, p.Met1579Leu (NM_001407571.1, NM_001407895.1, NM_001407896.1 and 12 more transcripts); c.5014A>T, p.Met1672Leu (NM_001407581.1, NM_001407582.1); c.5011A>T, p.Met1671Leu (NM_001407583.1, NM_001407585.1, NM_001407587.1 and 1 more transcripts); c.5008A>T, p.Met1670Leu (NM_001407590.1, NM_001407591.1); c.4948A>T, p.Met1650Leu (NM_001407593.1, NM_001407594.1, NM_001407596.1 and 8 more transcripts); c.4945A>T, p.Met1649Leu (NM_001407610.1, NM_001407611.1, NM_001407612.1 and 17 more transcripts); c.4942A>T, p.Met1648Leu (NM_001407627.1, NM_001407628.1, NM_001407629.1 and 14 more transcripts); c.4939A>T, p.Met1647Leu (NM_001407644.1, NM_001407645.1); and 70 more; short protein forms M546L, M1650L, M1671L, M1603L, M1496L, M1521L, M1523L, M1580L.
Identifiers: ClinVar variation 865449 (VCV000865449.3), dbSNP rs1567774493, ClinGen allele CA10591626.